The following is an entry in ClinVar:

NM_001963.6(EGF):c.2053+6G>T

Gene: EGF (epidermal growth factor; plus strand). Cytogenetic location: 4q25.
Variant type: single nucleotide variant.
Coding change: c.2053+6G>T on transcript NM_001963.6 (MANE Select); 6 bases into the intron after coding-DNA position 2053, G replaced by T.
Molecular consequence: intron variant.
Genome position (GRCh38, 1-based): chr4:109,976,241, G>T. VCF-style: chr4-109976241-G-T. GRCh37 (hg19) VCF-style: chr4-110897397-G-T.
Other names: c.2053+6G>T (NM_001178130.3); c.1927+6G>T (NM_001178131.3, NM_001357021.2).
Identifiers: ClinVar variation 2807460 (VCV002807460.3), dbSNP rs1220578795, ClinGen allele CA553668030.

ClinVar aggregate classification (germline): Uncertain significance (1 of 4 stars; one submission).

Allele frequency attached by ClinVar (database versions not stated): gnomAD exomes below 0.00001.
gnomAD v4.1: 1 of 1,612,840 alleles (0.000062%); highest among the groups gnomAD compares: Non-Finnish European, 0.000085%; no homozygotes.

Submission:

Labcorp Genetics (formerly Invitae), Labcorp
Classification: Uncertain significance. Last evaluated: 2023-05-10. Review status: criteria provided, single submitter. Criteria: Invitae Variant Classification Sherloc (09022015). Collection method: clinical testing. Allele origin: germline.
Comment: Variants that disrupt the consensus splice site are a relatively common cause of aberrant splicing (PMID: 17576681, 9536098). Algorithms developed to predict the effect of sequence changes on RNA splicing suggest that this variant may disrupt the consensus splice site. This variant has not been reported in the literature in individuals affected with EGF-related conditions. The frequency data for this variant in the population databases is considered unreliable, as metrics indicate poor data quality at this position in the gnomAD database. This sequence change falls in intron 13 of the EGF gene. It does not directly change the encoded amino acid sequence of the EGF protein. It affects a nucleotide within the consensus splice site. In summary, the available evidence is currently insufficient to determine the role of this variant in disease. Therefore, it has been classified as a Variant of Uncertain Significance.

Literature cited by the submitters: PubMed 17576681; PubMed 9536098.